The following is an entry in ClinVar:

ClinVar aggregate classification (germline): Uncertain significance. Review status: criteria provided, multiple submitters, no conflicts (2 of 4 stars). 3 submissions from 3 submitters: Uncertain significance (3). Last evaluated 2025-11-06.

Conditions:
Thrombocytopenia 2 (THC2). Also called: ANKRD26-Related Thrombocytopenia. Identifiers: Orphanet 268322, MedGen C1861185, MONDO:0008555, OMIM 188000.

Submissions (3):

Labcorp Genetics (formerly Invitae), Labcorp
Classification: Uncertain significance. Last evaluated: 2025-11-06. Review status: criteria provided, single submitter. Criteria: Invitae Variant Classification Sherloc (09022015). Collection method: clinical testing. Allele origin: germline.
Comment: This variant, c.1736_1738dup, results in the insertion of 1 amino acid(s) of the ANKRD26 protein (p.Asp579dup), but otherwise preserves the integrity of the reading frame. This variant is present in population databases (rs769735780, gnomAD 0.007%). This variant has not been reported in the literature in individuals affected with ANKRD26-related conditions. ClinVar contains an entry for this variant (Variation ID: 2169614). In summary, the available evidence is currently insufficient to determine the role of this variant in disease. Therefore, it has been classified as a Variant of Uncertain Significance.

Fulgent Genetics
Classification: Uncertain significance for Thrombocytopenia 2. Last evaluated: 2024-06-13. Review status: criteria provided, single submitter. Criteria: ACMG Guidelines, 2015. Collection method: clinical testing. Allele origin: germline.

GeneDx
Classification: Uncertain significance. Last evaluated: 2024-04-04. Review status: criteria provided, single submitter. Criteria: GeneDx Variant Classification Process June 2021. Collection method: clinical testing. Allele origin: germline.
Comment: In-frame insertion of 1 amino acid in a non-repeat region; Has not been previously published as pathogenic or benign to our knowledge

NM_014915.3(ANKRD26):c.1721ATG[7] (p.Asp579_Gly580insAsp)

Gene: ANKRD26 (ankyrin repeat domain 26; minus strand). Cytogenetic location: 10p12.1.
Variant type: Microsatellite.
Coding change: c.1721ATG[7] on transcript NM_014915.3 (MANE Select); seven copies in a row of the 3-base unit ATG starting at c.1721; the reference has six copies in a row; one copy, 3 bases duplicated; also written c.1736_1738dup.
Protein change: p.Asp579_Gly580insAsp.
Molecular consequence: inframe insertion. On other transcripts: inframe indel (1).
Genome position (GRCh38, 1-based): chr10:27,048,877-27,048,879, CAT duplicated on the plus strand (ATG on the coding strand, the reverse complement: ANKRD26 is on the minus strand); duplicating any 3 consecutive bases within chr10:27,048,877-27,048,895 gives the same sequence; the position shown is the placement nearest the transcript's 3' end. VCF-style (leftmost placement, unchanged base first): chr10-27048876-C-CCAT. GRCh37 (hg19) VCF-style: chr10-27337805-C-CCAT.
Other names: c.1736_1738dup (NM_014915.2, NM_014915.3); c.1721ATG[7], p.Asp579_Gly580insAsp (NM_001256053.2); c.1720_1722GAT[7], p.Asp579_Gly580insAsp (NM_014915.2).
Identifiers: ClinVar variation 2169614 (VCV002169614.7), dbSNP rs561705414, ClinGen allele CA5448423.